The following is an entry in ClinVar:

NM_004336.5(BUB1):c.3181C>G (p.His1061Asp)

Gene: BUB1 (BUB1 mitotic checkpoint serine/threonine kinase; minus strand). Cytogenetic location: 2q13.
Variant type: single nucleotide variant.
Coding change: c.3181C>G on transcript NM_004336.5 (MANE Select); coding-DNA position 3181, C replaced by G.
Protein change: p.His1061Asp; replaces histidine 1061 with aspartic acid.
Molecular consequence: missense variant.
Genome position (GRCh38, 1-based): chr2:110,638,041, G>C on the plus strand (C>G on the coding strand, the complement: BUB1 is on the minus strand). VCF-style: chr2-110638041-G-C. GRCh37 (hg19) VCF-style: chr2-111395618-G-C.
Other names: c.3121C>G, p.His1041Asp (NM_001278616.2); c.3010C>G, p.His1004Asp (NM_001278617.2); short protein forms H1041D, H1004D, H1061D.
Identifiers: ClinVar variation 2586140 (VCV002586140.2), dbSNP rs757380682, ClinGen allele CA1827624.

ClinVar aggregate classification (germline): Uncertain significance (1 of 4 stars; one submission).

Allele frequency attached by ClinVar (database versions not stated): gnomAD exomes below 0.00001; ExAC 0.00001.
gnomAD v4.1: 1 of 1,612,672 alleles (0.000062%); highest among the groups gnomAD compares: East Asian, 0.0022%; no homozygotes.

Submission:

Ambry Genetics
Classification: Uncertain significance. Last evaluated: 2023-06-24. Review status: criteria provided, single submitter. Criteria: Ambry Variant Classification Scheme 2023. Collection method: clinical testing. Allele origin: germline.
Comment: The p.H1061D variant (also known as c.3181C>G), located in coding exon 25 of the BUB1 gene, results from a C to G substitution at nucleotide position 3181. The histidine at codon 1061 is replaced by aspartic acid, an amino acid with similar properties. This amino acid position is conserved. In addition, this alteration is predicted to be tolerated by in silico analysis. Since supporting evidence is limited at this time, the clinical significance of this alteration remains unclear.